The following is an entry in ClinVar:

ClinVar aggregate classification (germline): Conflicting classifications of pathogenicity. Review status: criteria provided, conflicting classifications (1 of 4 stars). 8 submissions from 8 submitters: Uncertain significance (1); Likely benign (3). 4 of the submissions do not count toward it. Last evaluated 2026-02-03.

Conditions:
ILK-related disorder. Also called: ILK-related condition.
Primary familial hypertrophic cardiomyopathy (HCM). Identifiers: Orphanet 99739, MedGen C0949658, MeSH D024741, MONDO:0024573. Inheritance: Various modes of inheritance.

Allele frequency attached by ClinVar (database versions not stated): 1000 Genomes Project 30x 0.00078; ExAC 0.00084; ESP Exome Variant Server 0.00092; gnomAD exomes 0.00095 and 0.00117; 1000 Genomes Project 0.00100; gnomAD 0.00119 and 0.00121; TOPMed 0.00141.

Submissions (8):

Labcorp Genetics (formerly Invitae), Labcorp
Classification: Likely benign for Primary familial hypertrophic cardiomyopathy. Last evaluated: 2026-02-03. Review status: criteria provided, single submitter. Criteria: Invitae Variant Classification Sherloc (09022015). Collection method: clinical testing. Allele origin: germline.

Blueprint Genetics
Classification: Likely benign. Last evaluated: 2024-11-26. Review status: criteria provided, single submitter. Criteria: ACMG Guidelines, 2015. Collection method: clinical testing. Allele origin: germline.

ARUP Laboratories, Molecular Genetics and Genomics, ARUP Laboratories
Classification: Uncertain significance. Last evaluated: 2019-04-12. Review status: criteria provided, single submitter. Criteria: ARUP Molecular Germline Variant Investigation Process. Collection method: clinical testing. Allele origin: germline.
Comment: The ILK c.631C>T; p.Arg211Cys variant (rs140322345) is reported in the literature in a cohort of individuals with dilated cardiomyopathy (Haas 2015). This variant is found in the Latino population with an overall allele frequency of 0.21% (74/35440 alleles) in the Genome Aggregation Database. The arginine at codon 211 is highly conserved, and computational analyses (SIFT, PolyPhen-2) predict that this variant is deleterious. However, given the lack of clinical and functional data, the significance of the p.Arg211Cys variant is uncertain at this time. References: Haas J et al. Atlas of the clinical genetics of human dilated cardiomyopathy. Eur Heart J. 2015 May 7;36(18):1123-35a.

GeneDx
Classification: Likely benign. Last evaluated: 2017-10-25. Review status: criteria provided, single submitter. Criteria: GeneDx Variant Classification (06012015). Collection method: clinical testing. Allele origin: germline. Affected: yes.
Comment: This variant is considered likely benign or benign based on one or more of the following criteria: it is a conservative change, it occurs at a poorly conserved position in the protein, it is predicted to be benign by multiple in silico algorithms, and/or has population frequency not consistent with disease.

PreventionGenetics, part of Exact Sciences
Classification: Likely benign for ILK-related condition. Last evaluated: 2023-05-10. Review status: no assertion criteria provided. Collection method: clinical testing. Allele origin: germline. Not counted in ClinVar's aggregate classification.
Comment: This variant is classified as likely benign based on ACMG/AMP sequence variant interpretation guidelines (Richards et al. 2015 PMID: 25741868, with internal and published modifications).

Clinical Genetics DNA and cytogenetics Diagnostics Lab, Erasmus MC, Erasmus Medical Center
Classification: Likely benign. Review status: no assertion criteria provided. Collection method: clinical testing. Allele origin: germline. Affected: yes. Study: VKGL Data-share Consensus. Not counted in ClinVar's aggregate classification.

Diagnostic Laboratory, Department of Genetics, University Medical Center Groningen
Classification: Likely benign. Review status: no assertion criteria provided. Collection method: clinical testing. Allele origin: germline. Affected: yes. Study: VKGL Data-share Consensus. Not counted in ClinVar's aggregate classification.

Genome Diagnostics Laboratory, University Medical Center Utrecht
Classification: Likely benign. Review status: no assertion criteria provided. Collection method: clinical testing. Allele origin: germline. Affected: yes. Study: VKGL Data-share Consensus. Not counted in ClinVar's aggregate classification.

NM_004517.4(ILK):c.631C>T (p.Arg211Cys)

Genes: ILK (integrin linked kinase; plus strand), TAF10 (TATA-box binding protein associated factor 10; minus strand). Cytogenetic location: 11p15.4.
Variant type: single nucleotide variant.
Coding change: c.631C>T on transcript NM_004517.4 (MANE Select); coding-DNA position 631, C replaced by T.
Protein change: p.Arg211Cys; replaces arginine 211 with cysteine.
Molecular consequence: missense variant. On other transcripts: 3 prime UTR variant (1).
Genome position (GRCh38, 1-based): chr11:6,609,311, C>T. VCF-style: chr11-6609311-C-T. GRCh37 (hg19) VCF-style: chr11-6630542-C-T.
Other names: p.R211C:CGC>TGC; c.631C>T, p.Arg211Cys (NM_001014794.3, NM_001014795.3); c.448C>T, p.Arg150Cys (NM_001278441.2); c.229C>T, p.Arg77Cys (NM_001278442.2); c.*1611G>A (NM_006284.4); short protein forms R211C, R77C, R150C.
Identifiers: ClinVar variation 155799 (VCV000155799.29), dbSNP rs140322345, ClinGen allele CA335202.